The following is an entry in ClinVar:

NM_031418.4(ANO3):c.737+12A>G

Gene: ANO3 (anoctamin 3; plus strand). Cytogenetic location: 11p14.2.
Variant type: single nucleotide variant.
Coding change: c.737+12A>G on transcript NM_031418.4 (MANE Select); 12 bases into the intron after coding-DNA position 737, A replaced by G.
Molecular consequence: intron variant.
Genome position (GRCh38, 1-based): chr11:26,525,691, A>G. VCF-style: chr11-26525691-A-G. GRCh37 (hg19) VCF-style: chr11-26547238-A-G.
Other names: c.920+12A>G (NM_001313726.2); c.299+12A>G (NM_001313727.2).
Identifiers: ClinVar variation 2914401 (VCV002914401.3), dbSNP rs1370173417, ClinGen allele CA597920661.

ClinVar aggregate classification (germline): Uncertain significance (1 of 4 stars; one submission).

Conditions:
Dystonic disorder. Also called: Dystonia. Identifiers: MedGen C0013421, MONDO:0003441, HP:0001332.

Allele frequency attached by ClinVar (database versions not stated): gnomAD 0.00001; TOPMed 0.00001.
gnomAD v4.1: 7 of 1,602,902 alleles (0.00044%); highest among the groups gnomAD compares: Admixed American, 0.0034%; no homozygotes.

Submission:

Labcorp Genetics (formerly Invitae), Labcorp
Classification: Uncertain significance for Dystonic disorder. Last evaluated: 2022-12-27. Review status: criteria provided, single submitter. Criteria: Invitae Variant Classification Sherloc (09022015). Collection method: clinical testing. Allele origin: germline.
Comment: In summary, the available evidence is currently insufficient to determine the role of this variant in disease. Therefore, it has been classified as a Variant of Uncertain Significance. Algorithms developed to predict the effect of sequence changes on RNA splicing suggest that this variant may disrupt the consensus splice site. This variant has not been reported in the literature in individuals affected with ANO3-related conditions. This variant is present in population databases (no rsID available, gnomAD 0.006%). This sequence change falls in intron 7 of the ANO3 gene. It does not directly change the encoded amino acid sequence of the ANO3 protein.